The following is an entry in ClinVar:

NM_004320.6(ATP2A1):c.2512A>G (p.Met838Val)

Gene: ATP2A1 (ATPase sarcoplasmic/endoplasmic reticulum Ca2+ transporting 1; plus strand). Cytogenetic location: 16p11.2.
Variant type: single nucleotide variant.
Coding change: c.2512A>G on transcript NM_004320.6 (MANE Select); coding-DNA position 2512, A replaced by G.
Protein change: p.Met838Val; replaces methionine 838 with valine.
Molecular consequence: missense variant.
Genome position (GRCh38, 1-based): chr16:28,902,374, A>G. VCF-style: chr16-28902374-A-G. GRCh37 (hg19) VCF-style: chr16-28913695-A-G.
Other names: c.2137A>G, p.Met713Val (NM_001286075.2); c.2512A>G, p.Met838Val (NM_173201.5); short protein forms M713V, M838V.
Identifiers: ClinVar variation 1915625 (VCV001915625.5), dbSNP rs1596687277, ClinGen allele CA395414431.
Genomic context (GRCh38, chr16:28,902,374, plus strand): 5'-GACCGCCCCCCCCGGAGCCCCAAGGAGCCCCTCATCAGTGGCTGGCTCTTCTTCCGCTAC[A>G]TGGCAATCGGGGGTGAGCTGGAGGGGTTCCTCGATCCTCCCCACCCCTTGGGACTAACCC-3'
Protein context (NP_004311.1, residues 828-848): LISGWLFFRY[Met838Val]AIGGYVGAAT

ClinVar aggregate classification (germline): Uncertain significance (1 of 4 stars; one submission).

Conditions:
Brody myopathy. Also called: BRODY DISEASE. Identifiers: Orphanet 53347, MedGen C1832918, MONDO:0010977, OMIM 601003.

Submission:

Labcorp Genetics (formerly Invitae), Labcorp
Classification: Uncertain significance for Brody myopathy. Last evaluated: 2022-03-01. Review status: criteria provided, single submitter. Criteria: Invitae Variant Classification Sherloc (09022015). Collection method: clinical testing. Allele origin: germline.
Comment: This sequence change replaces methionine, which is neutral and non-polar, with valine, which is neutral and non-polar, at codon 838 of the ATP2A1 protein (p.Met838Val). In summary, the available evidence is currently insufficient to determine the role of this variant in disease. Therefore, it has been classified as a Variant of Uncertain Significance. Algorithms developed to predict the effect of missense changes on protein structure and function are either unavailable or do not agree on the potential impact of this missense change (SIFT: "Deleterious"; PolyPhen-2: "Benign"; Align-GVGD: "Class C0"). This variant has not been reported in the literature in individuals affected with ATP2A1-related conditions. This variant is not present in population databases (gnomAD no frequency).